The following is an entry in ClinVar:

ClinVar aggregate classification (germline): Uncertain significance (1 of 4 stars; one submission).

gnomAD v4.1: 2 of 1,614,226 alleles (0.00012%); highest among the groups gnomAD compares: Non-Finnish European, 0.00017%; no homozygotes.

Submission:

GeneDx
Classification: Uncertain significance. Last evaluated: 2025-12-29. Review status: criteria provided, single submitter. Criteria: GeneDx Variant Classification Process June 2021. Collection method: clinical testing. Allele origin: germline.
Comment: In silico analysis supports that this missense variant has a deleterious effect on protein structure/function; Has not been previously published as pathogenic or benign to our knowledge

NM_006885.4(ZFHX3):c.777T>A (p.Asp259Glu)

Gene: ZFHX3 (zinc finger homeobox 3; minus strand). Cytogenetic location: 16q22.3.
Variant type: single nucleotide variant.
Coding change: c.777T>A on transcript NM_006885.4 (MANE Select); coding-DNA position 777, T replaced by A.
Protein change: p.Asp259Glu; replaces aspartic acid 259 with glutamic acid.
Molecular consequence: missense variant. On other transcripts: intron variant (1).
Genome position (GRCh38, 1-based): chr16:72,959,369, A>T on the plus strand (T>A on the coding strand, the complement: ZFHX3 is on the minus strand). VCF-style: chr16-72959369-A-T. GRCh37 (hg19) VCF-style: chr16-72993268-A-T.
Other names: c.777T>A, p.Asp259Glu (NM_001386735.1); c.-23-8404T>A (NM_001164766.2); short protein forms D259E.
Identifiers: ClinVar variation 3900524 (VCV003900524.2).